The following is an entry in ClinVar:

NM_178172.6(GPIHBP1):c.449C>T (p.Thr150Ile)

Gene: GPIHBP1 (glycosylphosphatidylinositol anchored high density lipoprotein binding protein 1; plus strand). Cytogenetic location: 8q24.3.
Variant type: single nucleotide variant.
Coding change: c.449C>T on transcript NM_178172.6 (MANE Select); coding-DNA position 449, C replaced by T.
Protein change: p.Thr150Ile; replaces threonine 150 with isoleucine.
Molecular consequence: missense variant. On other transcripts: intron variant (1).
Genome position (GRCh38, 1-based): chr8:143,215,412, C>T. VCF-style: chr8-143215412-C-T. GRCh37 (hg19) VCF-style: chr8-144297287-C-T.
Other names: c.375+74C>T (NM_001301772.2); short protein forms T150I.
Identifiers: ClinVar variation 4858163 (VCV004858163.1).

ClinVar aggregate classification (germline): Uncertain significance (1 of 4 stars; one submission).

Conditions:
Cardiovascular phenotype. Identifiers: MedGen CN230736.

Submission:

Ambry Genetics
Classification: Uncertain significance for Cardiovascular phenotype. Last evaluated: 2026-06-14. Review status: criteria provided, single submitter. Criteria: Ambry Variant Classification Scheme 2023. Collection method: clinical testing. Allele origin: germline.
Comment: The p.T150I variant (also known as c.449C>T), located in coding exon 4 of the GPIHBP1 gene, results from a C to T substitution at nucleotide position 449. The threonine at codon 150 is replaced by isoleucine, an amino acid with similar properties. This amino acid position is conserved. In addition, this alteration is predicted to be tolerated by in silico analysis. Based on the available evidence, the clinical significance of this variant remains unclear.